The following is an entry in ClinVar:

ClinVar aggregate classification (germline): Uncertain significance (1 of 4 stars; one submission).

Conditions:
Parkinsonism-dystonia, infantile. Identifiers: Orphanet 238455, MedGen C2751067, MONDO:0013150.

Allele frequency attached by ClinVar (database versions not stated): gnomAD exomes 0.00001.
gnomAD v4.1: 11 of 1,614,270 alleles (0.00068%); highest among the groups gnomAD compares: Admixed American, 0.005%; no homozygotes.

Submission:

Labcorp Genetics (formerly Invitae), Labcorp
Classification: Uncertain significance for Parkinsonism-dystonia, infantile. Last evaluated: 2022-01-26. Review status: criteria provided, single submitter. Criteria: Invitae Variant Classification Sherloc (09022015). Collection method: clinical testing. Allele origin: germline.
Comment: In summary, the available evidence is currently insufficient to determine the role of this variant in disease. Therefore, it has been classified as a Variant of Uncertain Significance. Algorithms developed to predict the effect of sequence changes on RNA splicing suggest that this variant may create or strengthen a splice site. This variant has not been reported in the literature in individuals affected with SLC6A3-related conditions. This variant is present in population databases (no rsID available, gnomAD 0.003%). This sequence change affects codon 8 of the SLC6A3 mRNA. It is a 'silent' change, meaning that it does not change the encoded amino acid sequence of the SLC6A3 protein.

NM_001044.5(SLC6A3):c.24G>A (p.Val8=)

Gene: SLC6A3 (solute carrier family 6 member 3). Cytogenetic location: 5p15.33.
Variant type: single nucleotide variant.
Coding change: c.24G>A on transcript NM_001044.5 (MANE Select); coding-DNA position 24, G replaced by A.
Protein change: p.Val8=; no amino-acid change (valine 8 retained).
Molecular consequence: synonymous variant.
Genome position (GRCh38, 1-based): chr5:1,443,174, C>T on the plus strand (G>A on the coding strand, the complement: SLC6A3 is on the minus strand). VCF-style: chr5-1443174-C-T. GRCh37 (hg19) VCF-style: chr5-1443289-C-T.
Identifiers: ClinVar variation 2167997 (VCV002167997.4), dbSNP rs1342594789, ClinGen allele CA443240845.
Genomic context (GRCh38, chr5:1,443,174, plus strand): 5'-CTCCTTCGGGCCCACGGCATTGGGCTCCTTAGCCGGGGCCACCACGGAAGACATGAGTCC[C>T]ACGGAGCATTTGCTCTTACTCATGGGCACACTGGGAGTTGAGGAATTCTGTGCTTCTTCC-3'
Protein context (NP_001035.1, residues 1-18): MSKSKCS[Val8=]GLMSSVVAPA